The following is an entry in ClinVar:

NM_001370259.2(MEN1):c.79_88del (p.Leu27fs)

Gene: MEN1 (menin 1; minus strand). Cytogenetic location: 11q13.1.
Variant type: Deletion.
Coding change: c.79_88del on transcript NM_001370259.2 (MANE Select); coding-DNA positions 79 to 88, 10 bases deleted (CTGGGCCGAG; older notation c.79_88delCTGGGCCGAG).
Protein change: p.Leu27fs; shifts the reading frame from leucine 27.
Molecular consequence: frameshift variant.
Genome position (GRCh38, 1-based): chr11:64,810,022-64,810,031, CTCGGCCCAG deleted on the plus strand (CTGGGCCGAG on the coding strand, the reverse complement: MEN1 is on the minus strand); deleting any 10 consecutive bases within chr11:64,810,022-64,810,037 gives the same sequence; the c. name uses the placement nearest the transcript's 3' end. VCF-style (leftmost placement, unchanged base first): chr11-64810021-TCTCGGCCCAG-T. GRCh37 (hg19) VCF-style: chr11-64577493-TCTCGGCCCAG-T.
Other names: c.79_88delCTGGGCCGAG (NM_130799.2); c.79_88del, p.Leu27fs (NM_000244.4, NM_001370251.2, NM_001370260.2 and 9 more transcripts); short protein forms L27fs.
Identifiers: ClinVar variation 200994 (VCV000200994.2), dbSNP rs794728637, ClinGen allele CA009623.
Genomic context (GRCh38, chr11:64,810,021, plus strand): 5'-ACAGCCAGAAAATGCTCCACGAAGCCCAGCACCAAGGAAAGGAGCACCAGGTCCGGCTCC[TCTCGGCCCAG>T]CTCGGCAGCAAACAGGCGCACCACGTCGTCGATGGAGCGCAGCGGGAACAGCGTCTTCTG-3'

ClinVar aggregate classification (germline): Pathogenic (1 of 4 stars; one submission).

Submission:

GeneDx
Classification: Pathogenic. Last evaluated: 2013-07-10. Review status: criteria provided, single submitter. Criteria: GeneDx Variant Classification (06012015). Collection method: clinical testing. Allele origin: germline. Affected: yes.
Comment: The c.79_88delCTGGGCCGAG mutation in the MEN1 gene causes a frameshift starting with codon Leucine 27, changes this amino acid to an Arginine residue, and creates a premature Stop codon at position 89 of the new reading frame, denoted p.Leu27ArgfsX89. The normal sequence with the bases that are deleted in braces is: CGAG{delCTGGGCCGAG}AGGA This mutation is predicted to cause loss of normal protein function through protein truncation. This mutation has not been previously reported to our knowledge. The variant is found in MEN1 panel(s).